The following is an entry in ClinVar:

NM_001377303.1(L3MBTL1):c.82G>A (p.Gly28Arg)

Gene: L3MBTL1 (L3MBTL histone methyl-lysine binding protein 1; plus strand). Cytogenetic location: 20q13.12.
Variant type: single nucleotide variant.
Coding change: c.82G>A on transcript NM_001377303.1 (MANE Select); coding-DNA position 82, G replaced by A.
Protein change: p.Gly28Arg; replaces glycine 28 with arginine.
Molecular consequence: missense variant. On other transcripts: non-coding transcript variant (1), intron variant (1).
Genome position (GRCh38, 1-based): chr20:43,513,585, G>A. VCF-style: chr20-43513585-G-A. GRCh37 (hg19) VCF-style: chr20-42142225-G-A.
Other names: c.82G>A, p.Gly28Arg (NM_001377306.1); c.16G>A, p.Gly6Arg (NM_032107.5); c.-254-253G>A (NM_001377311.1); short protein forms G28R, G6R.
Identifiers: ClinVar variation 3048114 (VCV003048114.2), dbSNP rs144538397, ClinGen allele CA9865341.
Genomic context (GRCh38, chr20:43,513,585, plus strand): 5'-GAGATGCTGAGGACACTGAAGGGGCCTTCCACAGGGGAGGTCAGCATGCACTTGGTGGCC[G>A]GAGACAGCCCCGGTTCTGGTCCTCACCTGCCCGCAACTGCCTTCATCATTCCAGGTGAGT-3'
Protein context (NP_001364232.1, residues 18-38): TGEVSMHLVA[Gly28Arg]DSPGSGPHLP

ClinVar aggregate classification (germline): Likely benign (0 of 4 stars; one submission).

Conditions:
L3MBTL1-related disorder. Also called: L3MBTL1-related condition.

Allele frequency attached by ClinVar (database versions not stated): ExAC 0.00048; 1000 Genomes Project 30x 0.00062; 1000 Genomes Project 0.00080; gnomAD 0.00151; TOPMed 0.00166; gnomAD exomes 0.00222.
gnomAD v4.1: 3,319 of 1,550,616 alleles (0.21%); highest among the groups gnomAD compares: Admixed American, 0.25%; 7 homozygotes.

Submission:

PreventionGenetics, part of Exact Sciences
Classification: Likely benign for L3MBTL1-related condition. Last evaluated: 2022-04-22. Review status: no assertion criteria provided. Collection method: clinical testing. Allele origin: germline.
Comment: This variant is classified as likely benign based on ACMG/AMP sequence variant interpretation guidelines (Richards et al. 2015 PMID: 25741868, with internal and published modifications).